The following is an entry in ClinVar:

ClinVar aggregate classification (germline): Conflicting classifications of pathogenicity. Review status: criteria provided, conflicting classifications (1 of 4 stars). 3 submissions from 3 submitters: Uncertain significance (1); Likely benign (2). Last evaluated 2025-02-10.

Conditions:
Inborn genetic diseases. Identifiers: MedGen C0950123, MeSH D030342.
MACF1-related disorder. Also called: MACF1-related condition.

Allele frequency attached by ClinVar (database versions not stated): TOPMed 0.00002; gnomAD 0.00003; ExAC 0.00005; gnomAD exomes 0.00008; ESP Exome Variant Server 0.00015.
gnomAD v4.1: 124 of 1,613,924 alleles (0.0077%); highest among the groups gnomAD compares: Non-Finnish European, 0.01%; no homozygotes.

Submissions (3):

Labcorp Genetics (formerly Invitae), Labcorp
Classification: Uncertain significance. Last evaluated: 2025-02-10. Review status: criteria provided, single submitter. Criteria: Invitae Variant Classification Sherloc (09022015). Collection method: clinical testing. Allele origin: germline.
Comment: This sequence change replaces proline, which is neutral and non-polar, with serine, which is neutral and polar, at codon 3836 of the MACF1 protein (p.Pro3836Ser). This variant is present in population databases (rs138392909, gnomAD 0.009%). This variant has not been reported in the literature in individuals affected with MACF1-related conditions. ClinVar contains an entry for this variant (Variation ID: 3121854). An algorithm developed to predict the effect of missense changes on protein structure and function (PolyPhen-2) suggests that this variant is likely to be disruptive. In summary, the available evidence is currently insufficient to determine the role of this variant in disease. Therefore, it has been classified as a Variant of Uncertain Significance.

PreventionGenetics, part of Exact Sciences
Classification: Likely benign for MACF1-related condition. Last evaluated: 2025-01-12. Review status: criteria provided, single submitter. Criteria: ACMG Guidelines, 2015. Collection method: clinical testing. Allele origin: germline.
Comment: This variant is classified as likely benign based on ACMG/AMP sequence variant interpretation guidelines (Richards et al. 2015 PMID: 25741868, with internal and published modifications).

Ambry Genetics
Classification: Likely benign for Inborn genetic diseases. Last evaluated: 2021-12-03. Review status: criteria provided, single submitter. Criteria: Ambry Variant Classification Scheme 2023. Collection method: clinical testing. Allele origin: germline.

NM_001394062.1(MACF1):c.17692C>T (p.Pro5898Ser)

Gene: MACF1 (microtubule actin crosslinking factor 1; plus strand). Cytogenetic location: 1p34.3.
Variant type: single nucleotide variant.
Coding change: c.17692C>T on transcript NM_001394062.1 (MANE Select); coding-DNA position 17692, C replaced by T.
Protein change: p.Pro5898Ser; replaces proline 5898 with serine.
Molecular consequence: missense variant.
Genome position (GRCh38, 1-based): chr1:39,434,540, C>T. VCF-style: chr1-39434540-C-T. GRCh37 (hg19) VCF-style: chr1-39900212-C-T.
Other names: c.5761C>T, p.Pro1921Ser (NM_001397473.1); c.11506C>T, p.Pro3836Ser (NM_012090.5); short protein forms P3836S, P1921S, P5898S.
Identifiers: ClinVar variation 3121854 (VCV003121854.3), dbSNP rs138392909, ClinGen allele CA783690.
Genomic context (GRCh38, chr1:39,434,540, plus strand): 5'-CGCCTAGAGCGGGCCCAGGTCTTAGTAAACCAGTTTTGGGAAACTTATGAAGAGCTCAGC[C>T]CCTGGATTGAGGAAACTCGGGCACTAATAGCACAGTTACCCTCTCCAGCCATTGATCATG-3'
Protein context (NP_001380991.1, residues 5888-5908): QFWETYEELS[Pro5898Ser]WIEETRALIA